The following is an entry in ClinVar:

ClinVar aggregate classification (germline): Conflicting classifications of pathogenicity. Review status: criteria provided, conflicting classifications (1 of 4 stars). 3 submissions from 3 submitters: Uncertain significance (1); Likely benign (2). Last evaluated 2026-02-17.

Conditions:
Hereditary breast ovarian cancer syndrome. Also called: Hereditary breast and ovarian cancer syndrome; Breast and ovarian cancer; Hereditary breast and ovarian cancer; Hereditary breast and/or ovarian cancer syndrome; BRCA1- and BRCA2-Associated Hereditary Breast and Ovarian Cancer; Hereditary breast and ovarian cancer syndrome (HBOC). Identifiers: Orphanet 145, MedGen C0677776, MeSH D061325, MONDO:0003582. Disease mechanism: loss of function.
Hereditary cancer-predisposing syndrome. Also called: Neoplastic Syndromes, Hereditary; Tumor predisposition; Hereditary Cancer Syndrome; Hereditary neoplastic syndrome. Identifiers: Orphanet 140162, MedGen C0027672, MeSH D009386, MONDO:0015356.

Submissions (3):

Ambry Genetics
Classification: Likely benign for Hereditary cancer-predisposing syndrome. Last evaluated: 2026-02-17. Review status: criteria provided, single submitter. Criteria: Ambry Variant Classification Scheme 2023. Collection method: clinical testing. Allele origin: germline.

Labcorp Genetics (formerly Invitae), Labcorp
Classification: Uncertain significance for Hereditary breast ovarian cancer syndrome. Last evaluated: 2023-09-25. Review status: criteria provided, single submitter. Criteria: Invitae Variant Classification Sherloc (09022015). Collection method: clinical testing. Allele origin: germline.
Comment: In summary, the available evidence is currently insufficient to determine the role of this variant in disease. Therefore, it has been classified as a Variant of Uncertain Significance. Advanced modeling of protein sequence and biophysical properties (such as structural, functional, and spatial information, amino acid conservation, physicochemical variation, residue mobility, and thermodynamic stability) performed at Invitae indicates that this missense variant is not expected to disrupt BRCA2 protein function. ClinVar contains an entry for this variant (Variation ID: 2012605). This variant has not been reported in the literature in individuals affected with BRCA2-related conditions. This variant is not present in population databases (gnomAD no frequency). This sequence change replaces threonine, which is neutral and polar, with asparagine, which is neutral and polar, at codon 515 of the BRCA2 protein (p.Thr515Asn).

University of Washington Department of Laboratory Medicine, University of Washington
Classification: Likely benign for Hereditary cancer-predisposing syndrome. Last evaluated: 2023-03-23. Review status: criteria provided, single submitter. Criteria: Dines et al. (Genet Med. 2020). Collection method: curation. Allele origin: germline.
Comment: Missense variant in a coldspot region where missense variants are very unlikely to be pathogenic (PMID:31911673).

BRCA2 exon 10 coldspot. Reclassification based on statistical prior probability.

NM_000059.4(BRCA2):c.1544C>A (p.Thr515Asn)

Gene: BRCA2 (BRCA2 DNA repair associated; plus strand). Cytogenetic location: 13q13.1.
Variant type: single nucleotide variant.
Coding change: c.1544C>A on transcript NM_000059.4 (MANE Select); coding-DNA position 1544, C replaced by A.
Protein change: p.Thr515Asn; replaces threonine 515 with asparagine.
Molecular consequence: missense variant.
Genome position (GRCh38, 1-based): chr13:32,333,022, C>A. VCF-style: chr13-32333022-C-A. GRCh37 (hg19) VCF-style: chr13-32907159-C-A.
Other names: c.1544C>A, p.Thr515Asn (NM_001406719.1, NM_001406720.1, NM_001406721.1); short protein forms T515N.
Identifiers: ClinVar variation 2012605 (VCV002012605.7), dbSNP rs786202142, ClinGen allele CA387764640.